The following is an entry in ClinVar:

ClinVar aggregate classification (germline): Pathogenic (1 of 4 stars; one submission).

Conditions:
Abetalipoproteinaemia (ABL). Also called: MTP DEFICIENCY; Abetalipoproteinemia; Abetalipoproteinemia neuropathy; Apolipoprotein B deficiency; Congenital betalipoprotein deficiency syndrome. Identifiers: Orphanet 14, MedGen C0000744, MONDO:0008692, OMIM 200100, HP:0008181.

Submission:

Myriad Genetics, Inc.
Classification: Pathogenic for Abetalipoproteinaemia. Last evaluated: 2024-10-05. Review status: criteria provided, single submitter. Criteria: Myriad Autosomal Dominant, Autosomal Recessive and X-Linked Classification Criteria (2023). Collection method: clinical testing. Allele origin: unknown.
Comment: NM_000253.2(MTTP):c.538delG(A180Lfs*6) is expected to be pathogenic in the context of abetalipoproteinemia. This variant is predicted to lead to an abnormal or absent protein product due to the creation of a premature termination codon in MTTP, a gene where loss-of-function variants are known to be pathogenic. Please note: this variant was assessed in the context of healthy population screening.

NM_001386140.1(MTTP):c.538del (p.Ala180fs)

Gene: MTTP (microsomal triglyceride transfer protein; plus strand). Cytogenetic location: 4q23.
Variant type: Deletion.
Coding change: c.538del on transcript NM_001386140.1 (MANE Select); coding-DNA position 538, one base deleted (G; older notation c.538delG).
Protein change: p.Ala180fs; shifts the reading frame from alanine 180.
Molecular consequence: frameshift variant.
Genome position (GRCh38, 1-based): chr4:99,591,271, G deleted; the last of 2 consecutive G bases (chr4:99,591,270-99,591,271); deleting either gives the same sequence. VCF-style (leftmost placement, unchanged base first): chr4-99591269-AG-A. GRCh37 (hg19) VCF-style: chr4-100512426-AG-A.
Other names: c.538del, p.Ala180fs (NM_000253.4); c.289del, p.Ala97fs (NM_001300785.2); short protein forms A180fs, A97fs.
Identifiers: ClinVar variation 5013615 (VCV005013615.1).
Genomic context (GRCh38, chr4:99,591,269, plus strand): 5'-CATTATGCCCTTGCCTTTCTTTTTAGGTAGATATCTCTGGAAATTGTAAAGTGACCTACC[AG>A]GCTCATCAAGACAAAGTGATCAAAATTAAGGCCTTGGATTCATGCAAAATAGCGAGGTCT-3'